The following is an entry in ClinVar:

NM_000843.4(GRM6):c.938C>G (p.Thr313Ser)

Gene: GRM6 (glutamate metabotropic receptor 6; minus strand). Cytogenetic location: 5q35.3.
Variant type: single nucleotide variant.
Coding change: c.938C>G on transcript NM_000843.4 (MANE Select); coding-DNA position 938, C replaced by G.
Protein change: p.Thr313Ser; replaces threonine 313 with serine.
Molecular consequence: missense variant.
Genome position (GRCh38, 1-based): chr5:178,990,666, G>C on the plus strand (C>G on the coding strand, the complement: GRM6 is on the minus strand). VCF-style: chr5-178990666-G-C. GRCh37 (hg19) VCF-style: chr5-178417667-G-C.
Other names: c.938C>G (NM_000843.3); short protein forms T313S.
Identifiers: ClinVar variation 1981243 (VCV001981243.3), dbSNP rs1176672940, ClinGen allele CA362431984.

ClinVar aggregate classification (germline): Uncertain significance. Review status: criteria provided, multiple submitters, no conflicts (2 of 4 stars). 2 submissions from 2 submitters: Uncertain significance (2). Last evaluated 2024-06-03.

Conditions:
Inborn genetic diseases. Identifiers: MedGen C0950123, MeSH D030342.

Allele frequency attached by ClinVar (database versions not stated): gnomAD 0.00001; TOPMed 0.00001.

Submissions (2):

Labcorp Genetics (formerly Invitae), Labcorp
Classification: Uncertain significance. Last evaluated: 2024-06-03. Review status: criteria provided, single submitter. Criteria: Invitae Variant Classification Sherloc (09022015). Collection method: clinical testing. Allele origin: germline.
Comment: This sequence change replaces threonine, which is neutral and polar, with serine, which is neutral and polar, at codon 313 of the GRM6 protein (p.Thr313Ser). This variant is present in population databases (no rsID available, gnomAD 0.0009%). This variant has not been reported in the literature in individuals affected with GRM6-related conditions. ClinVar contains an entry for this variant (Variation ID: 1981243). Advanced modeling of protein sequence and biophysical properties (such as structural, functional, and spatial information, amino acid conservation, physicochemical variation, residue mobility, and thermodynamic stability) performed at Invitae indicates that this missense variant is not expected to disrupt GRM6 protein function with a negative predictive value of 80%. In summary, the available evidence is currently insufficient to determine the role of this variant in disease. Therefore, it has been classified as a Variant of Uncertain Significance.

Ambry Genetics
Classification: Uncertain significance for Inborn genetic diseases. Last evaluated: 2024-01-30. Review status: criteria provided, single submitter. Criteria: Ambry Variant Classification Scheme 2023. Collection method: clinical testing. Allele origin: germline.